The following is an entry in ClinVar:

ClinVar aggregate classification (germline): Uncertain significance (1 of 4 stars; one submission).

Allele frequency attached by ClinVar (database versions not stated): gnomAD 0.00001; gnomAD exomes 0.00001; TOPMed 0.00001.
gnomAD v4.1: 13 of 1,609,194 alleles (0.00081%); highest among the groups gnomAD compares: East Asian, 0.0022%; no homozygotes.

Submissions (3):

Labcorp Genetics (formerly Invitae), Labcorp
Classification: Uncertain significance. Last evaluated: 2023-01-27. Review status: criteria provided, single submitter. Criteria: Invitae Variant Classification Sherloc (09022015). Collection method: clinical testing. Allele origin: germline.
Comment: This sequence change affects a donor splice site in intron 10 of the KANK1 gene. It is expected to disrupt RNA splicing. Variants that disrupt the donor or acceptor splice site typically lead to a loss of protein function (PMID: 16199547), however the current clinical and genetic evidence is not sufficient to establish whether loss-of-function variants in KANK1 cause disease. In summary, the available evidence is currently insufficient to determine the role of this variant in disease. Therefore, it has been classified as a Variant of Uncertain Significance. Algorithms developed to predict the effect of sequence changes on RNA splicing suggest that this variant may disrupt the consensus splice site. This variant has not been reported in the literature in individuals affected with KANK1-related conditions. This variant is present in population databases (rs758108591, gnomAD 0.0009%).

Dr. Peter K. Rogan Lab, Western University
No classification provided (evidence only). Condition: Cervical cancer. Review status: no classification provided. Collection method: in vitro. Allele origin: not applicable. Functional consequence: retained intron. Not counted in ClinVar's aggregate classification.

Dr. Peter K. Rogan Lab, Western University
No classification provided (evidence only). Condition: Gastric cancer. Review status: no classification provided. Collection method: in vitro. Allele origin: not applicable. Functional consequence: retained intron. Not counted in ClinVar's aggregate classification.

Literature cited by the submitters: PubMed 16199547 (cited by Labcorp Genetics (formerly Invitae), Labcorp).

NM_015158.5(KANK1):c.3897+1G>A

Gene: KANK1 (KN motif and ankyrin repeat domains 1; plus strand). Cytogenetic location: 9p24.3.
Variant type: single nucleotide variant.
Coding change: c.3897+1G>A on transcript NM_015158.5 (MANE Select); the canonical splice donor site of the intron after coding-DNA position 3897, G replaced by A.
Molecular consequence: splice donor variant.
Genome position (GRCh38, 1-based): chr9:742,406, G>A. VCF-style: chr9-742406-G-A. GRCh37 (hg19) VCF-style: chr9-742406-G-A.
Other names: c.3897+1G>A (NM_001256876.3, NM_001354334.2, NM_001256877.3); c.3423+1G>A (NM_001354333.2, NM_001354335.2, NM_001354337.2 and 2 more transcripts); c.3657+1G>A (NM_001354331.2); c.3843+1G>A (NM_001354332.2); c.3129+1G>A (NM_001354336.2); c.3183+1G>A (NM_001354339.2, NM_001354343.2, NM_001354342.2); c.3369+1G>A (NM_001354338.2, NM_001354340.2, NM_001354344.2).
Identifiers: ClinVar variation 2977269 (VCV002977269.4), dbSNP rs758108591, ClinGen allele CA4961218.
Genomic context (GRCh38, chr9:742,406, plus strand): 5'-GTGGAGATTGTCAAGCTGCTGCTGGCCCAGCCCGGCTGCAACGGTCACCTAGAGGACAAC[G>A]TAAGCTGTCTCCATTGGGCCTCCTGGCCAGGGGTCTGGGGGACTCTGGACGGGAGCTCTG-3'